The following is an entry in ClinVar:

ClinVar aggregate classification (germline): Benign (1 of 4 stars; one submission).

Conditions:
Erythrokeratodermia variabilis et progressiva 1 (EKVP1). Also called: ERYTHROKERATODERMIA FIGURATA, CONGENITAL FAMILIAL, IN PLAQUES; ERYTHROKERATODERMIA VARIABILIS WITH ERYTHEMA GYRATUM REPENS; ERYTHROKERATODERMIA, PROGRESSIVE SYMMETRIC. Identifiers: Orphanet 317, MedGen C4551486, MONDO:0033010, OMIM 133200.

Allele frequency attached by ClinVar (database versions not stated): TOPMed 0.00010; gnomAD exomes 0.00020; ESP Exome Variant Server 0.00031; ExAC 0.00036.
gnomAD v4.1: 252 of 1,609,640 alleles (0.016%); highest among the groups gnomAD compares: Non-Finnish European, 0.02%; no homozygotes.

Submission:

Illumina Laboratory Services, Illumina
Classification: Benign for Erythrokeratodermia variabilis et progressiva 1. Last evaluated: 2018-01-13. Review status: criteria provided, single submitter. Criteria: ICSL Variant Classification Criteria 13 December 2019. Collection method: clinical testing. Allele origin: germline.
Comment: This variant was observed in the ICSL laboratory as part of a predisposition screen in an ostensibly healthy population. It had not been previously curated by ICSL or reported in the Human Gene Mutation Database (HGMD: prior to June 1st, 2018), and was therefore a candidate for classification through an automated scoring system. Utilizing variant allele frequency, disease prevalence and penetrance estimates, and inheritance mode, an automated score was calculated to assess if this variant is too frequent to cause the disease. Based on the score and internal cut-off values, a variant classified as benign is not then subjected to further curation. The score for this variant resulted in a classification of benign for this disease.

NM_024009.3(GJB3):c.*13G>A

Gene: GJB3 (gap junction protein beta 3; plus strand). Cytogenetic location: 1p34.3.
Variant type: single nucleotide variant.
Coding change: c.*13G>A on transcript NM_024009.3 (MANE Select); 13 bases downstream of the stop codon, G replaced by A.
Molecular consequence: 3 prime UTR variant.
Genome position (GRCh38, 1-based): chr1:34,785,588, G>A. VCF-style: chr1-34785588-G-A. GRCh37 (hg19) VCF-style: chr1-35251189-G-A.
Other names: c.*13G>A (NM_001005752.2).
Identifiers: ClinVar variation 875826 (VCV000875826.4), dbSNP rs368929234, ClinGen allele CA754916.